The following is an entry in ClinVar:

NM_001278716.2(FBXL4):c.1318-15G>C

Gene: FBXL4 (F-box and leucine rich repeat protein 4; minus strand). Cytogenetic location: 6q16.1.
Variant type: single nucleotide variant.
Coding change: c.1318-15G>C on transcript NM_001278716.2 (MANE Select); 15 bases into the intron before coding-DNA position 1318, G replaced by C.
Molecular consequence: intron variant.
Genome position (GRCh38, 1-based): chr6:98,880,639, C>G on the plus strand (G>C on the coding strand, the complement: FBXL4 is on the minus strand). VCF-style: chr6-98880639-C-G. GRCh37 (hg19) VCF-style: chr6-99328515-C-G.
Other names: c.1318-15G>C (NM_012160.5).
Identifiers: ClinVar variation 437732 (VCV000437732.5), dbSNP rs373175308, ClinGen allele CA3933475.

ClinVar aggregate classification (germline): Conflicting classifications of pathogenicity. Review status: criteria provided, conflicting classifications (1 of 4 stars). 2 submissions from 2 submitters: Uncertain significance (1); Likely benign (1). Last evaluated 2025-12-14.

Conditions:
Mitochondrial DNA depletion syndrome 13. Also called: FBXL4-Related Encephalomyopathic Mitochondrial DNA Depletion Syndrome; Mitochondrial DNA depletion syndrome 13 (encephalomyopathic type). Identifiers: Orphanet 369897, MedGen C3809592, MONDO:0014198, OMIM 615471.

Allele frequency attached by ClinVar (database versions not stated): gnomAD exomes 0.00001 and 0.00003; ExAC 0.00002; gnomAD 0.00003; TOPMed 0.00003; ESP Exome Variant Server 0.00008.

Submissions (2):

Labcorp Genetics (formerly Invitae), Labcorp
Classification: Likely benign. Last evaluated: 2025-12-14. Review status: criteria provided, single submitter. Criteria: Invitae Variant Classification Sherloc (09022015). Collection method: clinical testing. Allele origin: germline.

Wong Mito Lab, Molecular and Human Genetics, Baylor College of Medicine
Classification: Uncertain significance for Mitochondrial DNA depletion syndrome 13. Last evaluated: 2017-08-10. Review status: criteria provided, single submitter. Criteria: ACMG Guidelines, 2015. Collection method: reference population. Allele origin: germline.
Comment: The NM_012160.4:c.1318-15G>C (NP_036292.2:p.=) [GRCH38: NC_000006.12:g.98880639C>G] variant in FBXL4 gene is interpretated to be a Uncertain Significance - Insufficient Evidence based on ACMG guidelines (PMID: 25741868). This variant meets one or more of the following evidence codes reported in the ACMG-guideline. PM2:This variant is absent in key population databases. PP3:Computational evidence/predictors indicate the variant has deleterious effect on FBXL4 structure, function, or protein-protein interaction. Based on this evidence code ClinGen Pathogenicity Calculator (PMID:28081714) suggested that the variant is Uncertain Significance - Insufficient Evidence.